The following is an entry in ClinVar:

ClinVar aggregate classification (germline): Uncertain significance (1 of 4 stars; one submission).

Conditions:
XIRP1-related disorder. Also called: XIRP1-related condition.

Allele frequency attached by ClinVar (database versions not stated): gnomAD exomes 0.00001.
gnomAD v4.1: 13 of 1,613,994 alleles (0.00081%); highest among the groups gnomAD compares: Non-Finnish European, 0.0011%; no homozygotes.

Submission:

PreventionGenetics, part of Exact Sciences
Classification: Uncertain significance for XIRP1-related condition. Last evaluated: 2023-06-02. Review status: criteria provided, single submitter. Criteria: ACMG Guidelines, 2015. Collection method: clinical testing. Allele origin: germline.
Comment: The XIRP1 c.2063T>A variant is predicted to result in the amino acid substitution p.Ile688Asn. To our knowledge, this variant has not been reported in the literature or in a large population database, indicating this variant is rare. At this time, the clinical significance of this variant is uncertain due to the absence of conclusive functional and genetic evidence.

NM_194293.4(XIRP1):c.2063T>A (p.Ile688Asn)

Gene: XIRP1 (xin actin binding repeat containing 1; minus strand). Cytogenetic location: 3p22.2.
Variant type: single nucleotide variant.
Coding change: c.2063T>A on transcript NM_194293.4 (MANE Select); coding-DNA position 2063, T replaced by A.
Protein change: p.Ile688Asn; replaces isoleucine 688 with asparagine.
Molecular consequence: missense variant. On other transcripts: intron variant (1).
Genome position (GRCh38, 1-based): chr3:39,187,383, A>T on the plus strand (T>A on the coding strand, the complement: XIRP1 is on the minus strand). VCF-style: chr3-39187383-A-T. GRCh37 (hg19) VCF-style: chr3-39228874-A-T.
Other names: c.2063T>A, p.Ile688Asn (NM_001198621.4); c.-167-1722T>A (NM_001351377.2); short protein forms I688N.
Identifiers: ClinVar variation 2629250 (VCV002629250.1), dbSNP rs2471519593, ClinGen allele CA352195145.